The following is an entry in ClinVar:

NM_001613.4(ACTA2):c.536G>A (p.Arg179His)

Gene: ACTA2 (actin alpha 2, smooth muscle; minus strand). Cytogenetic location: 10q23.31.
Variant type: single nucleotide variant.
Coding change: c.536G>A on transcript NM_001613.4 (MANE Select); coding-DNA position 536, G replaced by A.
Protein change: p.Arg179His; replaces arginine 179 with histidine.
Molecular consequence: missense variant.
Genome position (GRCh38, 1-based): chr10:88,941,309, C>T on the plus strand (G>A on the coding strand, the complement: ACTA2 is on the minus strand). VCF-style: chr10-88941309-C-T. GRCh37 (hg19) VCF-style: chr10-90701066-C-T.
Other names: p.R179H:CGT>CAT; c.407G>A, p.Arg136His (NM_001406467.1, NM_001406468.1, NM_001406469.1); c.536G>A, p.Arg179His (NM_001406471.1, NM_001141945.3, NM_001320855.2 and 3 more transcripts); c.425G>A, p.Arg142His (NM_001406466.1); short protein forms R179H, R142H, R136H.
Identifiers: ClinVar variation 29598 (VCV000029598.104), dbSNP rs387906592, ClinGen allele CA006970.
Genomic context (GRCh38, chr10:88,941,309, plus strand): 5'-CCACGCTCAGTCAGGATCTTCATGAGGTAGTCAGTGAGATCTCGGCCAGCCAGATCCAGA[C>T]GCATGATGGCATGGGGCAAGGCATAGCCCTCATAGATGGGGACATTGTGGGTGACACCAT-3'
Protein context (NP_001604.1, residues 169-189): EGYALPHAIM[Arg179His]LDLAGRDLTD

ClinVar aggregate classification (germline): Pathogenic. Review status: criteria provided, multiple submitters, no conflicts (2 of 4 stars). 20 submissions from 19 submitters: Pathogenic (15). 5 of the submissions do not count toward it. Last evaluated 2025-12-13.

Conditions:
Aortic aneurysm, familial thoracic 6 (AAT6). Also called: FAMILIAL THORACIC AORTIC ANEURYSM WITH LIVEDO RETICULARIS AND IRIS FLOCCULI. Identifiers: MedGen C2673186, MONDO:0012730, OMIM 611788.
Multisystemic smooth muscle dysfunction syndrome (SMDYS). Also called: MYDRIASIS, CONGENITAL, WITH PATENT DUCTUS ARTERIOSUS, THORACIC AORTIC ANEURYSM, AND VASCULOPATHY; SMOOTH MUSCLE DYSFUNCTION SYNDROME. Identifiers: Orphanet 404463, MedGen C3151201, MONDO:0013452, OMIM 613834.
ACTA2-related disorder. Also called: ACTA2-related condition; ACTA2-related disorders.
Connective tissue disorder. Also called: Connective tissue disease. Identifiers: MedGen C0009782, MONDO:0003900.
alterations of great arteries and veins.
Moyamoya disease 5 (MYMY5). Identifiers: Orphanet 2573, MedGen C3279690, MONDO:0013542, OMIM 614042.
Familial thoracic aortic aneurysm and aortic dissection (TAAD). Also called: Thoracic aortic aneurysms and dissections. Identifiers: Orphanet 91387, MedGen C4707243, MONDO:0019625.

Submissions 1 to 11 of 20:

Labcorp Genetics (formerly Invitae), Labcorp
Classification: Pathogenic for Aortic aneurysm, familial thoracic 6. Last evaluated: 2025-12-13. Review status: criteria provided, single submitter. Criteria: Invitae Variant Classification Sherloc (09022015). Collection method: clinical testing. Allele origin: germline.
Comment: This sequence change replaces arginine, which is basic and polar, with histidine, which is basic and polar, at codon 179 of the ACTA2 protein (p.Arg179His). This variant is not present in population databases (gnomAD no frequency). This missense change has been observed in individual(s) with multisystemic smooth muscle dysfunction syndrome (PMID: 20734336, 22302747, 22752479, 22946110, 24293535, 24621862, 24998021, 25944730, 26034244). In at least one individual the variant was observed to be de novo. ClinVar contains an entry for this variant (Variation ID: 29598). Invitae Evidence Modeling of protein sequence and biophysical properties (such as structural, functional, and spatial information, amino acid conservation, physicochemical variation, residue mobility, and thermodynamic stability) indicates that this missense variant is not expected to disrupt ACTA2 protein function with a negative predictive value of 80%. For these reasons, this variant has been classified as Pathogenic.

Ambry Genetics
Classification: Pathogenic for Familial thoracic aortic aneurysm and aortic dissection. Last evaluated: 2025-06-13. Review status: criteria provided, single submitter. Criteria: Ambry Variant Classification Scheme 2023. Collection method: clinical testing. Allele origin: germline.
Comment: The c.536G>A (p.R179H) alteration is located in exon 6 (coding exon 5) of the ACTA2 gene. This alteration results from a G to A substitution at nucleotide position 536, causing the arginine (R) at amino acid position 179 to be replaced by a histidine (H). This variant was not reported in population-based cohorts in the Genome Aggregation Database (gnomAD). This variant was reported in individual(s) with features consistent with ACTA2-related vascular disorders; in at least one individual, it was determined to be de novo (Milewicz, 2010; Roulez, 2014; Taubenslag, 2019; Morita, 2022; Lupo, 2023). This amino acid position is highly conserved in available vertebrate species. In multiple assays testing ACTA2 function, this variant showed functionally abnormal results (Bartman, 2004; Lu, 2016). This alteration is predicted to be deleterious by in silico analysis. Based on the available evidence, this alteration is classified as pathogenic.

PreventionGenetics, part of Exact Sciences
Classification: Pathogenic for ACTA2-related condition. Last evaluated: 2025-05-12. Review status: criteria provided, single submitter. Criteria: ACMG Guidelines, 2015. Collection method: clinical testing. Allele origin: germline.
Comment: The ACTA2 c.536G>A variant is predicted to result in the amino acid substitution p.Arg179His. This variant has been reported to occur de novo in numerous individuals with multisystem smooth muscle dysfunction syndrome (Milewicz et al. 2010. PubMed ID: 20734336; Regalado et al. 2018. PubMed ID: 29300374). Functional studies showed that this variant results in severe polymerization defects (Lu et al. 2016. PubMed ID: 27551047). This variant has not been reported in a large population database, indicating this variant is rare. Different nucleotide substitutions affecting the same amino acid (p.Arg179Ser, p.Arg179Cys, p.Arg179Leu) have been reported to be disease causing (Regalado et al. 2018. PubMed ID: 29300374). Taken together, the c.536G>A (p.Arg179His) variant is interpreted as pathogenic.

GeneDx
Classification: Pathogenic. Last evaluated: 2024-05-30. Review status: criteria provided, single submitter. Criteria: GeneDx Variant Classification Process June 2021. Collection method: clinical testing. Allele origin: germline. Affected: yes.
Comment: Published functional studies demonstrated this variant results in severe polymerization defects, and smooth muscle myosin moved R179H filaments more slowly than wild-type, even when copolymerized with equimolar amounts of wild-type actin (PMID: 27551047); Not observed in large population cohorts (gnomAD); In silico analysis supports that this missense variant has a deleterious effect on protein structure/function; This variant is associated with the following publications: (PMID: 24293535, 24998021, 27567161, 25326635, 32779812, 24621862, 20734336, 22752479, 28343608, 28328125, 25944730, 26637293, 20970362, 22831780, 22302747, 19409525, 25759435, 13129918, 27481187, 29300374, 30300893, 28152038, 29875232, 23613326, 31911919, 32452246, 32369273, 32860008, 33644862, 33199432, 32595813, 34734057, 34732400, 26034244, 22946110, 27551047)

Genomic Medicine Center of Excellence, King Faisal Specialist Hospital and Research Centre
Classification: Pathogenic for Aortic aneurysm, familial thoracic 6. Last evaluated: 2024-03-29. Review status: criteria provided, single submitter. Criteria: ACMG Guidelines, 2015. Collection method: clinical testing. Allele origin: germline.

Institute of Human Genetics, Heidelberg University
Classification: Pathogenic for Multisystemic smooth muscle dysfunction syndrome. Last evaluated: 2023-11-03. Review status: criteria provided, single submitter. Criteria: ACMG Guidelines, 2015. Collection method: clinical testing. Allele origin: germline. Affected: yes.

Institute of Medical Genetics, University of Zurich
Classification: Pathogenic for Multisystemic smooth muscle dysfunction syndrome. Last evaluated: 2022-05-14. Review status: criteria provided, single submitter. Criteria: ACMG Guidelines, 2015. Collection method: clinical testing. Allele origin: unknown. Affected: yes.

Victorian Clinical Genetics Services, Murdoch Childrens Research Institute
Classification: Pathogenic for Multisystemic smooth muscle dysfunction syndrome. Last evaluated: 2022-02-02. Review status: criteria provided, single submitter. Criteria: ACMG Guidelines, 2015. Collection method: clinical testing. Allele origin: germline. Inheritance: Autosomal dominant inheritance. Affected: yes.
Comment: Based on the classification scheme VCGS_Germline_v1.3.4, this variant is classified as Pathogenic. Following criteria are met: 0104 - Dominant negative is a known mechanism of disease in this gene and is associated with familial thoracic aortic aneurysm 6 (MIM#611788), Moyamoya disease 5 (MIM#614042) and multisystemic smooth muscle dysfunction syndrome (MIM#613834) (PMID: 27551047, 28652363). (I) 0107 - This gene is associated with autosomal dominant disease. (I) 0200 - Variant is predicted to result in a missense amino acid change from arginine to histidine. (I) 0251 - This variant is heterozygous. (I) 0301 - Variant is absent from gnomAD (both v2 and v3). (SP) 0502 - Missense variant with conflicting in silico predictions and uninformative conservation. (I) 0600 - Variant is located in the annotated Actin domain (NCBI). (I) 0703 - Other missense variants comparable to the one identified in this case have moderate previous evidence for pathogenicity. Alternative changes to serine and cysteine have been reported in individuals with smooth muscle dysfunction syndrome (ClinVar, PMID: 29300374). (SP) 0801 - This variant has strong previous evidence of pathogenicity in unrelated individuals. This is a recurrent de novo pathogenic variant in individuals with multisystemic smooth muscle dysfunction syndrome (ClinVar, PMID: 29300374, 31911919). (SP) 1102 - Strong phenotype match for this individual. (SP) 1208 - Inheritance information for this variant is not currently available in this individual. (I) Legend: (SP) - Supporting pathogenic, (I) - Information, (SB) - Supporting benign

Institute of Human Genetics Munich, TUM University Hospital
Classification: Pathogenic for Multisystemic smooth muscle dysfunction syndrome. Last evaluated: 2020-06-10. Review status: criteria provided, single submitter. Criteria: Classification criteria August 2017. Collection method: clinical testing. Allele origin: de novo, germline. Inheritance: Autosomal dominant inheritance. Affected: yes. Observed: 2 heterozygotes. Clinical features observed: Recurrent urinary tract infections (HP:0000010), Atrial septal defect (HP:0001631), Hydroureter (HP:0000072), Splenic cyst (HP:0030423), Nephrocalcinosis (HP:0000121), Microcephaly (HP:0000252), Atrial septal defect, ostium secundum type (HP:0001684), Global developmental delay (HP:0001263), Megacystis (HP:0000021), Developmental dysplasia of the hip (HP:0001385), Patent ductus arteriosus (HP:0001643).

CHEO Genetics Diagnostic Laboratory, Children's Hospital of Eastern Ontario
Classification: Pathogenic for Familial thoracic aortic aneurysm and aortic dissection. Last evaluated: 2020-01-13. Review status: criteria provided, single submitter. Criteria: ACMG Guidelines, 2015. Collection method: clinical testing. Allele origin: germline.

Fulgent Genetics
Classification: Pathogenic for Aortic aneurysm, familial thoracic 6; Multisystemic smooth muscle dysfunction syndrome; Moyamoya disease 5. Last evaluated: 2018-10-31. Review status: criteria provided, single submitter. Criteria: ACMG Guidelines, 2015. Collection method: clinical testing. Allele origin: unknown.